The following is an entry in ClinVar:

ClinVar aggregate classification (germline): Likely benign. Review status: criteria provided, multiple submitters, no conflicts (2 of 4 stars). 3 submissions from 3 submitters: Likely benign (3). Last evaluated 2025-12-27.

Conditions:
Spinocerebellar ataxia type 23 (SCA23). Identifiers: Orphanet 101108, MedGen C1853250, MONDO:0012449, OMIM 610245.

Allele frequency attached by ClinVar (database versions not stated): TOPMed 0.00004; ExAC 0.00006; gnomAD exomes 0.00010.
gnomAD v4.1: 24 of 1,614,158 alleles (0.0015%); highest among the groups gnomAD compares: Admixed American, 0.04%; no homozygotes.

Submissions (3):

Labcorp Genetics (formerly Invitae), Labcorp
Classification: Likely benign. Last evaluated: 2025-12-27. Review status: criteria provided, single submitter. Criteria: Invitae Variant Classification Sherloc (09022015). Collection method: clinical testing. Allele origin: germline.

Blueprint Genetics
Classification: Likely benign. Last evaluated: 2024-06-21. Review status: criteria provided, single submitter. Criteria: ACMG Guidelines, 2015. Collection method: clinical testing. Allele origin: germline.

Illumina Laboratory Services, Illumina
Classification: Likely benign for Spinocerebellar ataxia type 23. Last evaluated: 2018-01-13. Review status: criteria provided, single submitter. Criteria: ICSL Variant Classification Criteria 13 December 2019. Collection method: clinical testing. Allele origin: germline.
Comment: This variant was observed in the ICSL laboratory as part of a predisposition screen in an ostensibly healthy population. It had not been previously curated by ICSL or reported in the Human Gene Mutation Database (HGMD: prior to June 1st, 2018), and was therefore a candidate for classification through an automated scoring system. Utilizing variant allele frequency, disease prevalence and penetrance estimates, and inheritance mode, an automated score was calculated to assess if this variant is too frequent to cause the disease. Based on the score and internal cut-off values, a variant classified as likely benign is not then subjected to further curation. The score for this variant resulted in a classification of likely benign for this disease.

NM_024411.5(PDYN):c.483C>G (p.Leu161=)

Genes: PDYN (prodynorphin; minus strand), PDYN-AS1 (PDYN antisense RNA 1; plus strand). Cytogenetic location: 20p13.
Variant type: single nucleotide variant.
Coding change: c.483C>G on transcript NM_024411.5 (MANE Select); coding-DNA position 483, C replaced by G.
Protein change: p.Leu161=; no amino-acid change (leucine 161 retained).
Molecular consequence: synonymous variant.
Genome position (GRCh38, 1-based): chr20:1,980,605, G>C on the plus strand (C>G on the coding strand, the complement: PDYN is on the minus strand). VCF-style: chr20-1980605-G-C. GRCh37 (hg19) VCF-style: chr20-1961251-G-C.
Other names: c.483C>G, p.Leu161= (NM_001190892.1, NM_001190898.3, NM_001190899.2 and 1 more transcripts).
Identifiers: ClinVar variation 337838 (VCV000337838.12), dbSNP rs773513924, ClinGen allele CA9730292.
Genomic context (GRCh38, chr20:1,980,605, plus strand): 5'-TTTGCGCAAAAAGCCCCCATAGCGTTTGACCTGCTCCTTGGGGTCCTCCTCAGCGAGATA[G>C]AGTGTGCCAGTCTCCATGGCACCATCGTTCAGCTGGGCATCCCTCATCAGCTCAGACTCT-3'
Protein context (NP_077722.1, residues 151-171): LNDGAMETGT[Leu161=]YLAEEDPKEQ